The following is an entry in ClinVar:

ClinVar aggregate classification (germline): Pathogenic (1 of 4 stars; one submission).

Conditions:
Breast-ovarian cancer, familial, susceptibility to, 1 (BROVCA1). Also called: BRCA1 Hereditary Breast and Ovarian Cancer; OVARIAN CANCER, SUSCEPTIBILITY TO. Identifiers: Orphanet 145, MedGen C2676676, MONDO:0011450, OMIM 604370. Disease mechanism: loss of function.

Submission:

Myriad Genetics, Inc.
Classification: Pathogenic for Breast-ovarian cancer, familial, susceptibility to, 1. Last evaluated: 2024-11-21. Review status: criteria provided, single submitter. Criteria: Myriad Autosomal Dominant, Autosomal Recessive and X-Linked Classification Criteria (2023). Collection method: clinical testing. Allele origin: unknown.
Comment: This variant is considered pathogenic. This variant creates a frameshift predicted to result in premature protein truncation.

NM_007294.4(BRCA1):c.4468del (p.Glu1490fs)

Gene: BRCA1 (BRCA1 DNA repair associated; minus strand). Cytogenetic location: 17q21.31.
Variant type: Deletion.
Coding change: c.4468del on transcript NM_007294.4 (MANE Select); coding-DNA position 4468, one base deleted (G; older notation c.4468delG).
Protein change: p.Glu1490fs; shifts the reading frame from glutamic acid 1490.
Molecular consequence: frameshift variant. On other transcripts: intron variant (3).
Genome position (GRCh38, 1-based): chr17:43,076,504, C deleted on the plus strand (G on the coding strand, the reverse complement: BRCA1 is on the minus strand). VCF-style (leftmost placement, unchanged base first): chr17-43076503-TC-T. GRCh37 (hg19) VCF-style: chr17-41228520-TC-T.
Other names: c.1018del, p.Glu340fs (NM_001408452.1, NM_001408453.1, NM_001408454.1 and 3 more transcripts); c.1015del, p.Glu339fs (NM_001408458.1, NM_001408459.1, NM_001408460.1 and 7 more transcripts); c.1012del, p.Glu338fs (NM_001408468.1, NM_001408469.1, NM_001408470.1); c.1156del, p.Glu386fs (NM_001408472.1, NM_007298.4, NM_007299.4 and 12 more transcripts); c.1153del, p.Glu385fs (NM_001408473.1, NM_001408392.1, NM_001408396.1 and 8 more transcripts); c.958del, p.Glu320fs (NM_001408474.1); c.955del, p.Glu319fs (NM_001408475.1, NM_001408476.1); c.949del, p.Glu317fs (NM_001408478.1, NM_001408479.1, NM_001408480.1); and 71 more; short protein forms E1193fs, E1194fs, E1321fs, E1361fs, E1362fs, E1363fs, E1377fs, E1378fs.
Identifiers: ClinVar variation 3773527 (VCV003773527.1).